The following is an entry in ClinVar:

NM_001110556.2(FLNA):c.1332C>T (p.Cys444=)

Gene: FLNA (filamin A; minus strand). Cytogenetic location: Xq28.
Variant type: single nucleotide variant.
Coding change: c.1332C>T on transcript NM_001110556.2 (MANE Select); coding-DNA position 1332, C replaced by T.
Protein change: p.Cys444=; no amino-acid change (cysteine 444 retained).
Molecular consequence: synonymous variant.
Genome position (GRCh38, 1-based): chrX:154,366,121, G>A on the plus strand (C>T on the coding strand, the complement: FLNA is on the minus strand). VCF-style: chrX-154366121-G-A. GRCh37 (hg19) VCF-style: chrX-153594489-G-A.
Other names: c.1332C>T, p.Cys444= (NM_001456.4).
Identifiers: ClinVar variation 3025185 (VCV003025185.24), dbSNP rs1557179174, ClinGen allele CA519709512.
Genomic context (GRCh38, chrX:154,366,121, plus strand): 5'-GGGCACGCCGGCAAACGTGACGTGCACGGTGTGGACGCCCTCCATGGTGGGCTGGTAGCT[G>A]CAGCGGTATGTGCTGTCGCCCCGGGCCTCCAGCTGAGGCTCTACCGTGCCCTTCTGTCCC-3'
Protein context (NP_001104026.1, residues 434-454): LEARGDSTYR[Cys444=]SYQPTMEGVH

ClinVar aggregate classification (germline): Likely benign. Review status: criteria provided, multiple submitters, no conflicts (2 of 4 stars). 2 submissions from 2 submitters: Likely benign (2). Last evaluated 2025-10-26.

Conditions:
Frontometaphyseal dysplasia (FMD1). Identifiers: Orphanet 1826, MedGen C0265293, MONDO:0015942.
Melnick-Needles syndrome (MNS). Also called: MELNICK-NEEDLES OSTEODYSPLASTY; OSTEODYSPLASTY OF MELNICK AND NEEDLES; Melnick-Needles Syndrome (FLNA-MNS). Identifiers: Orphanet 2484, MedGen C0025237, MONDO:0010650, OMIM 309350.
Heterotopia, periventricular, X-linked dominant (PVNH1). Also called: PERIVENTRICULAR NODULAR HETEROTOPIA 1; X-linked periventricular heterotopia; PERIVENTRICULAR NODULAR HETEROTOPIA 4; HETEROTOPIA, PERIVENTRICULAR, 1. Identifiers: Orphanet 2149, Orphanet 82004, MedGen C1848213, MONDO:0010233, OMIM 300049.
Oto-palato-digital syndrome, type II (OPD2). Also called: FACIOPALATOOSSEOUS SYNDROME; OPD II SYNDROME; Otopalatodigital Syndrome, Type II; Otopalatodigital Syndrome Type 2 (FLNA-OPD2). Identifiers: Orphanet 669, Orphanet 90652, MedGen C1844696, MONDO:0010571, OMIM 304120.

gnomAD v4.1: 3 of 1,210,351 alleles (0.00025%); highest among the groups gnomAD compares: Non-Finnish European, 0.00034%; no homozygotes.

Submissions (2):

Labcorp Genetics (formerly Invitae), Labcorp
Classification: Likely benign for Oto-palato-digital syndrome, type II; Heterotopia, periventricular, X-linked dominant; Frontometaphyseal dysplasia; Melnick-Needles syndrome. Last evaluated: 2025-10-26. Review status: criteria provided, single submitter. Criteria: Invitae Variant Classification Sherloc (09022015). Collection method: clinical testing. Allele origin: germline.

CeGaT Center for Human Genetics Tuebingen
Classification: Likely benign. Last evaluated: 2025-08-01. Review status: criteria provided, single submitter. Criteria: CeGaT Center For Human Genetics Tuebingen Variant Classification Criteria Version 2. Collection method: clinical testing. Allele origin: germline. Affected: yes. Observed: 2 variant alleles.
Comment: FLNA: BP4, BP7